The following is an entry in ClinVar:

ClinVar aggregate classification (germline): Uncertain significance (1 of 4 stars; one submission).

Allele frequency attached by ClinVar (database versions not stated): gnomAD 0.00001; TOPMed 0.00004.
gnomAD v4.1: 22 of 1,593,058 alleles (0.0014%); highest among the groups gnomAD compares: Admixed American, 0.024%; no homozygotes.

Submission:

Labcorp Genetics (formerly Invitae), Labcorp
Classification: Uncertain significance. Last evaluated: 2025-04-18. Review status: criteria provided, single submitter. Criteria: Invitae Variant Classification Sherloc (09022015). Collection method: clinical testing. Allele origin: germline.
Comment: This sequence change replaces glutamic acid, which is acidic and polar, with lysine, which is basic and polar, at codon 518 of the ACAN protein (p.Glu518Lys). This variant is present in population databases (rs267604363, gnomAD 0.03%). This variant has not been reported in the literature in individuals affected with ACAN-related conditions. ClinVar contains an entry for this variant (Variation ID: 2888042). Invitae Evidence Modeling of protein sequence and biophysical properties (such as structural, functional, and spatial information, amino acid conservation, physicochemical variation, residue mobility, and thermodynamic stability) indicates that this missense variant is not expected to disrupt ACAN protein function with a negative predictive value of 80%. In summary, the available evidence is currently insufficient to determine the role of this variant in disease. Therefore, it has been classified as a Variant of Uncertain Significance.

NM_001369268.1(ACAN):c.1552G>A (p.Glu518Lys)

Gene: ACAN (aggrecan; plus strand). Cytogenetic location: 15q26.1.
Variant type: single nucleotide variant.
Coding change: c.1552G>A on transcript NM_001369268.1 (MANE Select); coding-DNA position 1552, G replaced by A.
Protein change: p.Glu518Lys; replaces glutamic acid 518 with lysine.
Molecular consequence: missense variant.
Genome position (GRCh38, 1-based): chr15:88,847,365, G>A. VCF-style: chr15-88847365-G-A. GRCh37 (hg19) VCF-style: chr15-89390596-G-A.
Other names: c.1552G>A, p.Glu518Lys (NM_001135.4, NM_013227.4); short protein forms E518K.
Identifiers: ClinVar variation 2888042 (VCV002888042.3), dbSNP rs267604363, ClinGen allele CA7719584.
Genomic context (GRCh38, chr15:88,847,365, plus strand): 5'-CAGGCCTGCCTGCGCACGGGGGCGGTCATTGCCTCGCCGGAGCAGCTCCAGGCCGCCTAC[G>A]AAGCAGGCTATGAGCAGTGTGACGCCGGCTGGCTGCGGGACCAGACCGTCAGGTGAAGCC-3'
Protein context (NP_001356197.1, residues 508-528): ASPEQLQAAY[Glu518Lys]AGYEQCDAGW